The following is an entry in ClinVar:

NM_001754.5(RUNX1):c.*4032T>C

Gene: RUNX1 (RUNX family transcription factor 1; minus strand). Cytogenetic location: 21q22.12.
Variant type: single nucleotide variant.
Coding change: c.*4032T>C on transcript NM_001754.5 (MANE Select); 4032 bases downstream of the stop codon, T replaced by C.
Molecular consequence: 3 prime UTR variant.
Genome position (GRCh38, 1-based): chr21:34,788,103, A>G on the plus strand (T>C on the coding strand, the complement: RUNX1 is on the minus strand). VCF-style: chr21-34788103-A-G. GRCh37 (hg19) VCF-style: chr21-36160400-A-G.
Other names: c.*4032T>C (NM_001754.4, NM_001001890.3).
Identifiers: ClinVar variation 339797 (VCV000339797.8), dbSNP rs78335539, ClinGen allele CA10653545.

ClinVar aggregate classification (germline): Benign. Review status: reviewed by expert panel (3 of 4 stars). 3 submissions from 3 submitters: Benign (1). 2 of the submissions do not count toward it. Last evaluated 2020-01-13.

Conditions:
Hereditary thrombocytopenia and hematological cancer predisposition syndrome associated with RUNX1. Also called: PLATELET DISORDER, ASPIRIN-LIKE; RUNX1 Familial Platelet Disorder with Associated Myeloid Malignancies; Familial Platelet Disorder with Propensity to Acute Myelogenous Leukemia; Familial thrombocytopenia with propensity to acute myelogenous leukemia. Identifiers: Orphanet 71290, MedGen C1832388, MeSH C563324, MONDO:0100083, OMIM 601399.

Allele frequency attached by ClinVar (database versions not stated): gnomAD exomes 0.00589; 1000 Genomes Project 0.02716; gnomAD 0.02737 and 0.02935; 1000 Genomes Project 30x 0.03045; TOPMed 0.03084.
gnomAD v4.1: 4,637 of 233,250 alleles (2%); highest among the groups gnomAD compares: African/African-American, 9.5%; 196 homozygotes.

Submissions (3):

ClinGen Myeloid Malignancy Variant Curation Expert Panel
Classification: Benign for Hereditary thrombocytopenia and hematologic cancer predisposition syndrome. Last evaluated: 2020-01-13. Review status: reviewed by expert panel. Criteria: ClinGen MyeloMalig ACMG Specifications v1. Collection method: curation. Allele origin: germline. Inheritance: Autosomal dominant inheritance.
Comment: The NM_001754.4:c.*4032T>C variant reported at an MAF of 0.096 (9%, 835/8702 alleles) in the African population in gnomAD cohort is =/> 0.0015 (0.15%) (BA1). This variant is detected in a homozygous state in 25 individuals in gnomAD (BP2). In summary, this variant meets criteria to be classified as benign. ACMG/AMP criteria applied, as specified by the Myeloid Malignancy Variant Curation Expert Panel for RUNX1: BA1, BP2.

GeneDx
Classification: Benign. Last evaluated: 2021-05-25. Review status: criteria provided, single submitter. Criteria: GeneDx Variant Classification Process June 2021. Collection method: clinical testing. Allele origin: germline. Affected: yes. Not counted in ClinVar's aggregate classification.

Illumina Laboratory Services, Illumina
Classification: Benign for Hereditary thrombocytopenia and hematological cancer predisposition syndrome associated with RUNX1. Last evaluated: 2018-01-12. Review status: criteria provided, single submitter. Criteria: ICSL Variant Classification Criteria 13 December 2019. Collection method: clinical testing. Allele origin: germline. Not counted in ClinVar's aggregate classification.
Comment: This variant was observed in the ICSL laboratory as part of a predisposition screen in an ostensibly healthy population. It had not been previously curated by ICSL or reported in the Human Gene Mutation Database (HGMD: prior to June 1st, 2018), and was therefore a candidate for classification through an automated scoring system. Utilizing variant allele frequency, disease prevalence and penetrance estimates, and inheritance mode, an automated score was calculated to assess if this variant is too frequent to cause the disease. Based on the score and internal cut-off values, a variant classified as benign is not then subjected to further curation. The score for this variant resulted in a classification of benign for this disease.